The following is an entry in ClinVar:

ClinVar aggregate classification (germline): Pathogenic (1 of 4 stars; one submission).

Submission:

Labcorp Genetics (formerly Invitae), Labcorp
Classification: Pathogenic. Last evaluated: 2023-11-25. Review status: criteria provided, single submitter. Criteria: Invitae Variant Classification Sherloc (09022015). Collection method: clinical testing. Allele origin: germline.
Comment: This sequence change creates a premature translational stop signal (p.Leu293*) in the TRAIP gene. It is expected to result in an absent or disrupted protein product. Loss-of-function variants in TRAIP are known to be pathogenic (PMID: 26595769, 31974414). This variant is not present in population databases (gnomAD no frequency). This variant has not been reported in the literature in individuals affected with TRAIP-related conditions. For these reasons, this variant has been classified as Pathogenic.

Literature cited by the submitters: PubMed 26595769; PubMed 31974414.

NM_005879.3(TRAIP):c.878del (p.Val292_Leu293insTer)

Gene: TRAIP (TRAF interacting protein; minus strand). Cytogenetic location: 3p21.31.
Variant type: Deletion.
Coding change: c.878del on transcript NM_005879.3 (MANE Select); coding-DNA position 878, one base deleted (T; older notation c.878delT).
Protein change: p.Val292_Leu293insTer.
Molecular consequence: nonsense.
Genome position (GRCh38, 1-based): chr3:49,839,778, A deleted on the plus strand (T on the coding strand, the reverse complement: TRAIP is on the minus strand); the first of 4 consecutive A bases (chr3:49,839,778-49,839,781); deleting any one gives the same sequence. VCF-style (leftmost placement, unchanged base first): chr3-49839777-TA-T. GRCh37 (hg19) VCF-style: chr3-49877210-TA-T.
Identifiers: ClinVar variation 2698999 (VCV002698999.3), dbSNP rs2544964555, ClinGen allele CA2697550970.